The following is an entry in ClinVar:

NM_001130438.3(SPTAN1):c.5019G>A (p.Lys1673=)

Gene: SPTAN1 (spectrin alpha, non-erythrocytic 1; plus strand). Cytogenetic location: 9q34.11.
Variant type: single nucleotide variant.
Coding change: c.5019G>A on transcript NM_001130438.3 (MANE Select); coding-DNA position 5019, G replaced by A.
Protein change: p.Lys1673=; no amino-acid change (lysine 1673 retained).
Molecular consequence: synonymous variant.
Genome position (GRCh38, 1-based): chr9:128,612,222, G>A. VCF-style: chr9-128612222-G-A. GRCh37 (hg19) VCF-style: chr9-131374501-G-A.
Other names: p.K1673K:AAG>AAA; p.Lys1673=; c.4944G>A, p.Lys1648= (NM_001195532.2); c.5019G>A, p.Lys1673= (NM_001363759.2); c.4959G>A, p.Lys1653= (NM_001363765.2); c.5004G>A, p.Lys1668= (NM_003127.4).
Identifiers: ClinVar variation 139294 (VCV000139294.45), dbSNP rs114745823, ClinGen allele CA293738.

ClinVar aggregate classification (germline): Benign/Likely benign. Review status: criteria provided, multiple submitters, no conflicts (2 of 4 stars). 11 submissions from 11 submitters: Benign (9); Likely benign (2). Last evaluated 2026-01-28.

Conditions:
Early-infantile DEE. Also called: Early infantile epileptic encephalopathy; Early infantile epileptic encephalopathy with suppression bursts; Ohtahara syndrome. Identifiers: Orphanet 1934, MedGen C0393706, MONDO:0800491.
Inborn genetic diseases. Identifiers: MedGen C0950123, MeSH D030342.
Developmental and epileptic encephalopathy, 5 (DEE5). Identifiers: Orphanet 3451, MedGen C3150731, MONDO:0013277, OMIM 613477.

Allele frequency attached by ClinVar (database versions not stated): gnomAD exomes 0.00039 and 0.00103; ExAC 0.00122; 1000 Genomes Project 0.00280; 1000 Genomes Project 30x 0.00312; gnomAD 0.00396 and 0.00429; ESP Exome Variant Server 0.00415; TOPMed 0.00461.
gnomAD v4.1: 1,187 of 1,614,092 alleles (0.074%); highest among the groups gnomAD compares: African/African-American, 1.4%; 10 homozygotes.

Submissions (11):

Labcorp Genetics (formerly Invitae), Labcorp
Classification: Benign for Early-infantile DEE. Last evaluated: 2026-01-28. Review status: criteria provided, single submitter. Criteria: Invitae Variant Classification Sherloc (09022015). Collection method: clinical testing. Allele origin: germline.

Mayo Clinic Laboratories, Mayo Clinic
Classification: Benign. Last evaluated: 2025-08-27. Review status: criteria provided, single submitter. Criteria: ACMG Guidelines, 2015. Collection method: clinical testing. Allele origin: germline. Observed: 2 variant alleles.
Comment: BA1, BS2, BP4, BP7

CeGaT Center for Human Genetics Tuebingen
Classification: Likely benign. Last evaluated: 2025-07-01. Review status: criteria provided, single submitter. Criteria: CeGaT Center For Human Genetics Tuebingen Variant Classification Criteria Version 2. Collection method: clinical testing. Allele origin: germline. Affected: yes. Observed: 2 variant alleles.
Comment: SPTAN1: BP4, BP7, BS1

Blueprint Genetics
Classification: Likely benign. Last evaluated: 2024-10-18. Review status: criteria provided, single submitter. Criteria: ACMG Guidelines, 2015. Collection method: clinical testing. Allele origin: germline.

ARUP Laboratories, Molecular Genetics and Genomics, ARUP Laboratories
Classification: Benign for Developmental and epileptic encephalopathy, 5. Last evaluated: 2023-12-22. Review status: criteria provided, single submitter. Criteria: ARUP Molecular Germline Variant Investigation Process 2024. Collection method: clinical testing. Allele origin: germline.

Fulgent Genetics
Classification: Benign for Developmental and epileptic encephalopathy, 5. Last evaluated: 2022-04-13. Review status: criteria provided, single submitter. Criteria: ACMG Guidelines, 2015. Collection method: clinical testing. Allele origin: unknown.

Genome-Nilou Lab
Classification: Benign for Developmental and epileptic encephalopathy, 5. Last evaluated: 2021-07-15. Review status: criteria provided, single submitter. Criteria: ACMG Guidelines, 2015. Collection method: clinical testing. Allele origin: germline. Affected: no.

Ambry Genetics
Classification: Benign for Inborn genetic diseases. Last evaluated: 2016-07-11. Review status: criteria provided, single submitter. Criteria: Ambry Variant Classification Scheme 2023. Collection method: clinical testing. Allele origin: germline.

GeneDx
Classification: Benign. Last evaluated: 2013-07-16. Review status: criteria provided, single submitter. Criteria: GeneDx Variant Classification (06012015). Collection method: clinical testing. Allele origin: germline. Affected: yes.
Comment: This variant is considered likely benign or benign based on one or more of the following criteria: it is a conservative change, it occurs at a poorly conserved position in the protein, it is predicted to be benign by multiple in silico algorithms, and/or has population frequency not consistent with disease.

Breakthrough Genomics
Classification: Benign. Review status: criteria provided, single submitter. Criteria: ACMG Guidelines, 2015. Collection method: not provided. Allele origin: germline. Inheritance: Autosomal dominant inheritance. Affected: yes.

PreventionGenetics, part of Exact Sciences
Classification: Benign. Review status: criteria provided, single submitter. Criteria: ACMG Guidelines, 2015. Collection method: clinical testing. Allele origin: germline.